The following is an entry in ClinVar:

ClinVar aggregate classification (germline): Conflicting classifications of pathogenicity. Review status: criteria provided, conflicting classifications (1 of 4 stars). 2 submissions from 2 submitters: Uncertain significance (1); Likely benign (1). Last evaluated 2023-02-28.

Conditions:
Inborn genetic diseases. Identifiers: MedGen C0950123, MeSH D030342.
RYR1-related disorder. Also called: RYR1-related condition; RYR1-related disorders. Identifiers: MedGen CN239331.

Submissions (2):

Labcorp Genetics (formerly Invitae), Labcorp
Classification: Likely benign for RYR1-related disorder. Last evaluated: 2023-02-28. Review status: criteria provided, single submitter. Criteria: Invitae Variant Classification Sherloc (09022015). Collection method: clinical testing. Allele origin: germline.

Ambry Genetics
Classification: Uncertain significance for Inborn genetic diseases. Last evaluated: 2022-07-21. Review status: criteria provided, single submitter. Criteria: Ambry Variant Classification Scheme 2023. Collection method: clinical testing. Allele origin: germline.
Comment: The c.14804-6C>T intronic alteration results from a C to T substitution 6 nucleotides before coding exon 103 of the RYR1 gene. This variant was not reported in population-based cohorts in the Genome Aggregation Database (gnomAD). This nucleotide position is not well conserved in available vertebrate species. In silico splice site analysis predicts that this alteration will not have any significant effect on splicing. Based on insufficient or conflicting evidence, the clinical significance of this alteration remains unclear.

NM_000540.3(RYR1):c.14804-6C>T

Gene: RYR1 (ryanodine receptor 1; plus strand). Cytogenetic location: 19q13.2.
Variant type: single nucleotide variant.
Coding change: c.14804-6C>T on transcript NM_000540.3 (MANE Select); 6 bases into the intron before coding-DNA position 14804, C replaced by T.
Molecular consequence: intron variant.
Genome position (GRCh38, 1-based): chr19:38,585,932, C>T. VCF-style: chr19-38585932-C-T. GRCh37 (hg19) VCF-style: chr19-39076572-C-T.
Other names: c.14789-6C>T (NM_001042723.2).
Identifiers: ClinVar variation 2300405 (VCV002300405.5), dbSNP rs1974465381, ClinGen allele CA2335095485.